The following is an entry in ClinVar:

ClinVar aggregate classification (germline): Uncertain significance (1 of 4 stars; one submission).

gnomAD v4.1: 1 of 1,592,344 alleles (0.000063%); highest among the groups gnomAD compares: South Asian, 0.0011%; no homozygotes.

Submission:

Labcorp Genetics (formerly Invitae), Labcorp
Classification: Uncertain significance. Last evaluated: 2023-01-31. Review status: criteria provided, single submitter. Criteria: Invitae Variant Classification Sherloc (09022015). Collection method: clinical testing. Allele origin: germline.
Comment: In summary, the available evidence is currently insufficient to determine the role of this variant in disease. Therefore, it has been classified as a Variant of Uncertain Significance. Algorithms developed to predict the effect of missense changes on protein structure and function are either unavailable or do not agree on the potential impact of this missense change (SIFT: "Deleterious"; PolyPhen-2: "Benign"; Align-GVGD: "Class C0"). This variant has not been reported in the literature in individuals affected with RIMS1-related conditions. This variant is present in population databases (no rsID available, gnomAD 0.004%). This sequence change replaces methionine, which is neutral and non-polar, with leucine, which is neutral and non-polar, at codon 495 of the RIMS1 protein (p.Met495Leu).

NM_014989.7(RIMS1):c.1483A>C (p.Met495Leu)

Gene: RIMS1 (regulating synaptic membrane exocytosis 1; plus strand). Cytogenetic location: 6q13.
Variant type: single nucleotide variant.
Coding change: c.1483A>C on transcript NM_014989.7 (MANE Select); coding-DNA position 1483, A replaced by C.
Protein change: p.Met495Leu; replaces methionine 495 with leucine.
Molecular consequence: missense variant.
Genome position (GRCh38, 1-based): chr6:72,182,954, A>C. VCF-style: chr6-72182954-A-C. GRCh37 (hg19) VCF-style: chr6-72892657-A-C.
Other names: short protein forms M495L.
Identifiers: ClinVar variation 2833257 (VCV002833257.3), dbSNP rs745434723, ClinGen allele CA364821583.